The following is an entry in ClinVar:

ClinVar aggregate classification (germline): Uncertain significance. Review status: criteria provided, multiple submitters, no conflicts (2 of 4 stars). 2 submissions from 2 submitters: Uncertain significance (2). Last evaluated 2025-06-07.

Conditions:
Inborn genetic diseases. Identifiers: MedGen C0950123, MeSH D030342.
Neutral lipid storage myopathy (NLSDM). Also called: NEUTRAL LIPID STORAGE DISEASE WITHOUT ICHTHYOSIS. Identifiers: Orphanet 98908, MedGen C1853136, MONDO:0012545, OMIM 610717.

Submissions (2):

Ambry Genetics
Classification: Uncertain significance for Inborn genetic diseases. Last evaluated: 2025-06-07. Review status: criteria provided, single submitter. Criteria: Ambry Variant Classification Scheme 2023. Collection method: clinical testing. Allele origin: germline.

Labcorp Genetics (formerly Invitae), Labcorp
Classification: Uncertain significance for Neutral lipid storage myopathy. Last evaluated: 2022-04-15. Review status: criteria provided, single submitter. Criteria: Invitae Variant Classification Sherloc (09022015). Collection method: clinical testing. Allele origin: germline.
Comment: This sequence change replaces glutamic acid, which is acidic and polar, with aspartic acid, which is acidic and polar, at codon 306 of the PNPLA2 protein (p.Glu306Asp). This variant is present in population databases (no rsID available, gnomAD 0.007%). This variant has not been reported in the literature in individuals affected with PNPLA2-related conditions. Algorithms developed to predict the effect of missense changes on protein structure and function output the following: SIFT: "Tolerated"; PolyPhen-2: "Benign"; Align-GVGD: "Class C0". The aspartic acid amino acid residue is found in multiple mammalian species, which suggests that this missense change does not adversely affect protein function. In summary, the available evidence is currently insufficient to determine the role of this variant in disease. Therefore, it has been classified as a Variant of Uncertain Significance.

NM_020376.4(PNPLA2):c.918G>C (p.Glu306Asp)

Gene: PNPLA2 (patatin like domain 2, triacylglycerol lipase; plus strand). Cytogenetic location: 11p15.5.
Variant type: single nucleotide variant.
Coding change: c.918G>C on transcript NM_020376.4 (MANE Select); coding-DNA position 918, G replaced by C.
Protein change: p.Glu306Asp; replaces glutamic acid 306 with aspartic acid.
Molecular consequence: missense variant.
Genome position (GRCh38, 1-based): chr11:823,854, G>C. VCF-style: chr11-823854-G-C. GRCh37 (hg19) VCF-style: chr11-823854-G-C.
Other names: c.918G>C (NM_020376.3); short protein forms E306D.
Identifiers: ClinVar variation 2192033 (VCV002192033.2), dbSNP rs201065998, ClinGen allele CA378981965.